The following is an entry in ClinVar:

ClinVar aggregate classification (germline): Uncertain significance. Review status: criteria provided, multiple submitters, no conflicts (2 of 4 stars). 3 submissions from 3 submitters: Uncertain significance (3). Last evaluated 2021-08-28.

Conditions:
FGFR2-related craniosynostosis. Identifiers: MedGen CN231480.

Allele frequency attached by ClinVar (database versions not stated): gnomAD exomes below 0.00001; TOPMed below 0.00001.
gnomAD v4.1: 1 of 1,614,190 alleles (0.000062%); highest among the groups gnomAD compares: Non-Finnish European, 0.000085%; no homozygotes.

Submissions (3):

Labcorp Genetics (formerly Invitae), Labcorp
Classification: Uncertain significance for FGFR2-related craniosynostosis. Last evaluated: 2021-08-28. Review status: criteria provided, single submitter. Criteria: Invitae Variant Classification Sherloc (09022015). Collection method: clinical testing. Allele origin: germline.

GeneDx
Classification: Uncertain significance. Last evaluated: 2019-08-15. Review status: criteria provided, single submitter. Criteria: GeneDx Variant Classification Process June 2021. Collection method: clinical testing. Allele origin: germline. Affected: yes.
Comment: Not observed in large population cohorts (Lek et al., 2016); In silico analysis, which includes protein predictors and evolutionary conservation, supports that this variant does not alter protein structure/function; Has not been previously published as pathogenic or benign to our knowledge

Geisinger Autism and Developmental Medicine Institute, Geisinger Health System
Classification: Uncertain significance. Last evaluated: 2017-09-27. Review status: criteria provided, single submitter. Criteria: ACMG Guidelines, 2015. Collection method: provider interpretation, clinical testing. Allele origin: maternal. Observed: 1 variant allele.
Comment: The variant is absent from population databases. It is a non-conservative substitution but occurs at a position that is not conserved across species.

NM_000141.5(FGFR2):c.149A>T (p.Tyr50Phe)

Gene: FGFR2 (fibroblast growth factor receptor 2; minus strand). Cytogenetic location: 10q26.13.
Variant type: single nucleotide variant.
Coding change: c.149A>T on transcript NM_000141.5 (MANE Select); coding-DNA position 149, A replaced by T.
Protein change: p.Tyr50Phe; replaces tyrosine 50 with phenylalanine.
Molecular consequence: missense variant. On other transcripts: intron variant (9).
Genome position (GRCh38, 1-based): chr10:121,565,665, T>A on the plus strand (A>T on the coding strand, the complement: FGFR2 is on the minus strand). VCF-style: chr10-121565665-T-A. GRCh37 (hg19) VCF-style: chr10-123325179-T-A.
Other names: c.149A>T, p.Tyr50Phe (NM_001144913.1, NM_001144914.1, NM_001144917.2 and 3 more transcripts); c.110-14206A>T (NM_001144918.2, NM_001441091.1, NM_001441090.1 and 1 more transcripts); c.110-1086A>T (NM_001441089.1, NM_023029.3, NM_001441088.1 and 2 more transcripts); short protein forms Y50F.
Identifiers: ClinVar variation 432678 (VCV000432678.9), dbSNP rs1398842143, ClinGen allele CA378325580.